The following is an entry in ClinVar:

NC_000020.10:g.(?_62050962)_(62078200_?)dup

Gene: KCNQ2 (potassium voltage-gated channel subfamily Q member 2; minus strand). Cytogenetic location: 20q13.33.
Variant type: Duplication.
Identifiers: ClinVar variation 1441842 (VCV001441842.7).

ClinVar aggregate classification (germline): Uncertain significance (1 of 4 stars; one submission).

Conditions:
Developmental and epileptic encephalopathy. Identifiers: MedGen C5779964, MONDO:0100620.

Submission:

Labcorp Genetics (formerly Invitae), Labcorp
Classification: Uncertain significance for Early-infantile DEE. Last evaluated: 2020-11-21. Review status: criteria provided, single submitter. Criteria: Invitae Variant Classification Sherloc (09022015). Collection method: clinical testing. Allele origin: germline.
Comment: Experimental studies and prediction algorithms are not available or were not evaluated, and the functional significance of this variant is currently unknown. In summary, the available evidence is currently insufficient to determine the role of this variant in disease. Therefore, it has been classified as a Variant of Uncertain Significance. This variant has been observed in individual(s) with KCNQ2-related conditions (PMID: 31302675). This variant results in a copy number gain of the genomic region encompassing exon(s) 2-12 of the KCNQ2 gene. While the exact position of this variant cannot be determined from the data, sub-genic copy number gains are generally in tandem (PMID: 25640679). This variant is predicted to be in-frame, and likely preserves the integrity of the reading frame.

Literature cited by the submitters: PubMed 31302675; PubMed 25640679.